The following is an entry in ClinVar:

ClinVar aggregate classification (germline): Uncertain significance (1 of 4 stars; one submission).

Conditions:
Rhabdoid tumor predisposition syndrome 2 (RTPS2). Identifiers: Orphanet 231108, Orphanet 69077, MedGen C2750074, MONDO:0013224, OMIM 613325.

Submission:

Labcorp Genetics (formerly Invitae), Labcorp
Classification: Uncertain significance for Rhabdoid tumor predisposition syndrome 2. Last evaluated: 2023-04-22. Review status: criteria provided, single submitter. Criteria: Invitae Variant Classification Sherloc (09022015). Collection method: clinical testing. Allele origin: germline.
Comment: In summary, the available evidence is currently insufficient to determine the role of this variant in disease. Therefore, it has been classified as a Variant of Uncertain Significance. Advanced modeling of protein sequence and biophysical properties (such as structural, functional, and spatial information, amino acid conservation, physicochemical variation, residue mobility, and thermodynamic stability) performed at Invitae indicates that this missense variant is not expected to disrupt SMARCA4 protein function. This variant has not been reported in the literature in individuals affected with SMARCA4-related conditions. This variant is not present in population databases (gnomAD no frequency). This sequence change replaces glutamic acid, which is acidic and polar, with aspartic acid, which is acidic and polar, at codon 1603 of the SMARCA4 protein (p.Glu1603Asp).

NM_003072.5(SMARCA4):c.4713A>T (p.Glu1571Asp)

Gene: SMARCA4 (SWI/SNF related BAF chromatin remodeling complex subunit ATPase 4; plus strand). Cytogenetic location: 19p13.2.
Variant type: single nucleotide variant.
Coding change: c.4713A>T on transcript NM_003072.5 (MANE Select); coding-DNA position 4713, A replaced by T.
Protein change: p.Glu1571Asp; replaces glutamic acid 1571 with aspartic acid.
Molecular consequence: missense variant. On other transcripts: non-coding transcript variant (1).
Genome position (GRCh38, 1-based): chr19:11,059,830, A>T. VCF-style: chr19-11059830-A-T. GRCh37 (hg19) VCF-style: chr19-11170506-A-T.
Other names: c.4713A>T, p.Glu1571Asp (NM_001128844.3); c.4623A>T, p.Glu1541Asp (NM_001128845.2); c.4620A>T, p.Glu1540Asp (NM_001128846.2); c.4614A>T, p.Glu1538Asp (NM_001128847.4, NM_001374457.1); c.4611A>T, p.Glu1537Asp (NM_001128848.2); c.4809A>T, p.Glu1603Asp (NM_001128849.3, NM_001387283.1); c.4710A>T, p.Glu1570Asp (NM_001411150.1); short protein forms E1540D, E1541D, E1603D, E1537D, E1538D, E1570D, E1571D.
Identifiers: ClinVar variation 2785013 (VCV002785013.3), dbSNP rs2147115115, ClinGen allele CA404079534.
Genomic context (GRCh38, chr19:11,059,830, plus strand): 5'-CGTCTTGCAGTCGGTCTTCACCAGCGTGCGGCAGAAAATCGAGAAGGAGGATGACAGTGA[A>T]GGCGAGGAGAGTGAGGAGGAGGAAGAGGGCGAGGAGGAAGGCTCCGAATCCGAATGTGAG-3'
Protein context (NP_003063.2, residues 1561-1581): RQKIEKEDDS[Glu1571Asp]GEESEEEEEG